The following is an entry in ClinVar:

ClinVar aggregate classification (germline): Conflicting classifications of pathogenicity. Review status: criteria provided, conflicting classifications (1 of 4 stars). 2 submissions from 2 submitters: Likely pathogenic (1); Uncertain significance (1). Last evaluated 2025-09-02.

Conditions:
Developmental and epileptic encephalopathy, 35 (DEE35). Also called: Epileptic encephalopathy, early infantile, 35. Identifiers: Orphanet 457375, MedGen C4225256, MONDO:0014719, OMIM 616647.
Inosine triphosphatase deficiency. Also called: INOSINE TRIPHOSPHATE PYROPHOSPHOHYDROLASE DEFICIENCY. Identifiers: MedGen C0342800, MONDO:0013461, OMIM 613850.

Allele frequency attached by ClinVar (database versions not stated): TOPMed below 0.00001; ExAC 0.00001; gnomAD exomes 0.00001.
gnomAD v4.1: 9 of 1,613,582 alleles (0.00056%); highest among the groups gnomAD compares: East Asian, 0.0022%; no homozygotes.

Submissions (2):

Labcorp Genetics (formerly Invitae), Labcorp
Classification: Likely pathogenic for Inosine triphosphatase deficiency. Last evaluated: 2025-09-02. Review status: criteria provided, single submitter. Criteria: Invitae Variant Classification Sherloc (09022015). Collection method: clinical testing. Allele origin: germline.
Comment: This sequence change replaces threonine, which is neutral and polar, with methionine, which is neutral and non-polar, at codon 163 of the ITPA protein (p.Thr163Met). This variant is present in population databases (rs758706191, gnomAD 0.006%). This missense change has been observed in individual(s) with clinical features of ITPA-related conditions (PMID: 30542205, 35098521, 38221827). In at least one individual the data is consistent with being in trans (on the opposite chromosome) from a pathogenic variant. It has also been observed to segregate with disease in related individuals. ClinVar contains an entry for this variant (Variation ID: 431714). An algorithm developed to predict the effect of missense changes on protein structure and function (PolyPhen-2) suggests that this variant is likely to be disruptive. In summary, the currently available evidence indicates that the variant is pathogenic, but additional data are needed to prove that conclusively. Therefore, this variant has been classified as Likely Pathogenic.

TIDEX, University of British Columbia
Classification: Uncertain significance for Developmental and epileptic encephalopathy, 35. Review status: criteria provided, single submitter. Criteria: ACMG Guidelines, 2015. Collection method: research. Allele origin: maternal. Inheritance: Autosomal recessive inheritance. Affected: yes.

Literature cited by the submitters: PubMed 30542205 (cited by Labcorp Genetics (formerly Invitae), Labcorp); PubMed 35098521 (cited by Labcorp Genetics (formerly Invitae), Labcorp); PubMed 38221827 (cited by Labcorp Genetics (formerly Invitae), Labcorp).

NM_033453.4(ITPA):c.488C>T (p.Thr163Met)

Gene: ITPA (inosine triphosphatase; plus strand). Cytogenetic location: 20p13.
Variant type: single nucleotide variant.
Coding change: c.488C>T on transcript NM_033453.4 (MANE Select); coding-DNA position 488, C replaced by T.
Protein change: p.Thr163Met; replaces threonine 163 with methionine.
Molecular consequence: missense variant. On other transcripts: non-coding transcript variant (2), intron variant (1).
Genome position (GRCh38, 1-based): chr20:3,221,917, C>T. VCF-style: chr20-3221917-C-T. GRCh37 (hg19) VCF-style: chr20-3202563-C-T.
Other names: c.365C>T, p.Thr122Met (NM_001267623.2); c.151C>T, p.Arg51Cys (NM_001324236.2, NM_001324237.2, NM_001324238.2 and 1 more transcripts); c.437C>T, p.Thr146Met (NM_181493.4); c.411+3285C>T (NM_001324240.2); short protein forms T163M, T122M, T146M, R51C.
Identifiers: ClinVar variation 431714 (VCV000431714.11), dbSNP rs758706191, ClinGen allele CA9741326.
Genomic context (GRCh38, chr20:3,221,917, plus strand): 5'-CCAGAGGCTGCCAGGACTTTGGCTGGGACCCCTGCTTTCAGCCTGATGGATATGAGCAGA[C>T]GTAAGGAGCCCTGCTTTTCTTCCCTGGGGTGTGGGGTTGGTACAGCCATGGTTTGGGTTG-3'
Protein context (NP_258412.1, residues 153-173): PCFQPDGYEQ[Thr163Met]YAEMPKAEKN